The following is an entry in ClinVar:

NM_032578.4(MYPN):c.3493+6G>A

Gene: MYPN (myopalladin; plus strand). Cytogenetic location: 10q21.3.
Variant type: single nucleotide variant.
Coding change: c.3493+6G>A on transcript NM_032578.4 (MANE Select); 6 bases into the intron after coding-DNA position 3493, G replaced by A.
Molecular consequence: intron variant.
Genome position (GRCh38, 1-based): chr10:68,199,581, G>A. VCF-style: chr10-68199581-G-A. GRCh37 (hg19) VCF-style: chr10-69959338-G-A.
Other names: c.3493+6G>A (NM_001256267.2); c.2611+6G>A (NM_001256268.2).
Identifiers: ClinVar variation 380682 (VCV000380682.8), dbSNP rs750903219, ClinGen allele CA5523050.
Genomic context (GRCh38, chr10:68,199,581, plus strand): 5'-ATCGCTACCAACAAAACCGGGCAGAATTCTTTTAGTCTGGAGCTCTCTGTAGTAGGTAAG[G>A]TTTGCTGCTGGGACCCCTAAACACAACTTCCTCCAAAGTCATTACCCAAAGAGGCAGAGC-3'

ClinVar aggregate classification (germline): Conflicting classifications of pathogenicity. Review status: criteria provided, conflicting classifications (1 of 4 stars). 5 submissions from 5 submitters: Uncertain significance (2); Likely benign (1). 2 of the submissions do not count toward it. Last evaluated 2025-11-24.

Conditions:
Dilated cardiomyopathy 1KK (CMD1KK). Identifiers: Orphanet 154, Orphanet 75249, MedGen C3714995, MONDO:0014100, OMIM 615248.

Allele frequency attached by ClinVar (database versions not stated): TOPMed 0.00002.
gnomAD v4.1: 14 of 1,582,742 alleles (0.00088%); highest among the groups gnomAD compares: African/African-American, 0.014%; no homozygotes.

Submissions (5):

Women's Health and Genetics/Laboratory Corporation of America, LabCorp
Classification: Uncertain significance. Last evaluated: 2025-11-24. Review status: criteria provided, single submitter. Criteria: LabCorp Variant Classification Summary - May 2015. Collection method: clinical testing. Allele origin: germline.

Labcorp Genetics (formerly Invitae), Labcorp
Classification: Uncertain significance for Dilated cardiomyopathy 1KK. Last evaluated: 2021-08-27. Review status: criteria provided, single submitter. Criteria: Invitae Variant Classification Sherloc (09022015). Collection method: clinical testing. Allele origin: germline.

GeneDx
Classification: Likely benign. Last evaluated: 2015-10-01. Review status: criteria provided, single submitter. Criteria: GeneDx Variant Classification (06012015). Collection method: clinical testing. Allele origin: germline. Affected: yes.
Comment: This variant is considered likely benign or benign based on one or more of the following criteria: it is a conservative change, it occurs at a poorly conserved position in the protein, it is predicted to be benign by multiple in silico algorithms, and/or has population frequency not consistent with disease.

Clinical Genetics DNA and cytogenetics Diagnostics Lab, Erasmus MC, Erasmus Medical Center
Classification: Likely benign. Review status: no assertion criteria provided. Collection method: clinical testing. Allele origin: germline. Affected: yes. Study: VKGL Data-share Consensus. Not counted in ClinVar's aggregate classification.

Clinical Genetics, Academic Medical Center
Classification: Benign. Review status: no assertion criteria provided. Collection method: clinical testing. Allele origin: germline. Affected: yes. Study: VKGL Data-share Consensus. Not counted in ClinVar's aggregate classification.